The following is an entry in ClinVar:

ClinVar aggregate classification (germline): Uncertain significance (1 of 4 stars; one submission).

Conditions:
Inborn genetic diseases. Identifiers: MedGen C0950123, MeSH D030342.

Submission:

Ambry Genetics
Classification: Uncertain significance for Inborn genetic diseases. Last evaluated: 2025-10-01. Review status: criteria provided, single submitter. Criteria: Ambry Variant Classification Scheme 2023. Collection method: clinical testing. Allele origin: germline.
Comment: The p.K40E variant (also known as c.118A>G), located in coding exon 2 of the ERCC6L2 gene, results from an A to G substitution at nucleotide position 118. The lysine at codon 40 is replaced by glutamic acid, an amino acid with similar properties. This amino acid position is conserved. In addition, the in silico prediction for this alteration is inconclusive. Based on the available evidence, the clinical significance of this variant remains unclear.

NM_020207.7(ERCC6L2):c.118A>G (p.Lys40Glu)

Gene: ERCC6L2 (ERCC excision repair 6 like 2; plus strand). Cytogenetic location: 9q22.32.
Variant type: single nucleotide variant.
Coding change: c.118A>G on transcript NM_020207.7 (MANE Select); coding-DNA position 118, A replaced by G.
Protein change: p.Lys40Glu; replaces lysine 40 with glutamic acid.
Molecular consequence: missense variant. On other transcripts: non-coding transcript variant (1).
Genome position (GRCh38, 1-based): chr9:95,880,940, A>G. VCF-style: chr9-95880940-A-G. GRCh37 (hg19) VCF-style: chr9-98643222-A-G.
Other names: c.118A>G, p.Lys40Glu (NM_001010895.4, NM_001375291.1, NM_001375292.1 and 2 more transcripts); short protein forms K40E.
Identifiers: ClinVar variation 4618715 (VCV004618715.1).